The following is an entry in ClinVar:

ClinVar aggregate classification (germline): Pathogenic. Review status: criteria provided, multiple submitters, no conflicts (2 of 4 stars). 2 submissions from 2 submitters: Pathogenic (2). Last evaluated 2023-05-11.
ClinVar aggregate classification (oncogenicity): Likely oncogenic (1 of 4 stars; one submission).

Conditions:
Familial adenomatous polyposis 1 (FAP1). Also called: POLYPOSIS, ADENOMATOUS INTESTINAL; FAMILIAL ADENOMATOUS POLYPOSIS 1, ATTENUATED. Identifiers: MedGen C2713442, MONDO:0021056, OMIM 175100. Disease mechanism: loss of function.
Familial multiple polyposis syndrome (FAP). Also called: Familial Adenomatous Polyposis (FAP); Classic familial adenomatous polyposis; Familial adenomatous polyposis; Familial intestinal polyposis; Familial polyposis. Identifiers: Orphanet 733, MedGen C0032580, MONDO:0021055. Disease mechanism: loss of function.
Neoplasm. Also called: Neoplasms; Neoplasm (disease); tumor. Identifiers: MedGen C0027651, MeSH D009369, MONDO:0005070, HP:0002664.

Submissions (3):

Center for Genomic Medicine, Rigshospitalet, Copenhagen University Hospital
Classification: Likely oncogenic for Neoplasm. Last evaluated: 2026-10-16. Review status: criteria provided, single submitter. Criteria: ClinGen/CGC/VICC Guidelines for Oncogenicity, 2022. Collection method: clinical testing. Allele origin: somatic. Affected: yes.

Myriad Genetics, Inc.
Classification: Pathogenic for Familial adenomatous polyposis 1. Last evaluated: 2023-05-11. Review status: criteria provided, single submitter. Criteria: Myriad Autosomal Dominant, Autosomal Recessive and X-Linked Classification Criteria (2023). Collection method: clinical testing. Allele origin: unknown.
Comment: This variant is considered pathogenic. This variant creates a frameshift predicted to result in premature protein truncation.

Department of Pathology and Laboratory Medicine, Sinai Health System
Classification: Pathogenic for Familial multiple polyposis syndrome. Review status: criteria provided, single submitter. Criteria: ACMG Guidelines, 2015. Collection method: clinical testing. Allele origin: germline. Affected: yes. Study: Canadian Open Genetics Repository (COGR).

NM_000038.6(APC):c.4671del (p.Ile1557fs)

Gene: APC (APC regulator of Wnt signaling pathway; plus strand). Cytogenetic location: 5q22.2.
Variant type: Deletion.
Coding change: c.4671del on transcript NM_000038.6 (MANE Select); coding-DNA position 4671, one base deleted (T; older notation c.4671delT).
Protein change: p.Ile1557fs; shifts the reading frame from isoleucine 1557.
Molecular consequence: frameshift variant.
Genome position (GRCh38, 1-based): chr5:112,840,265, T deleted; the last of 2 consecutive T bases (chr5:112,840,264-112,840,265); deleting either gives the same sequence. VCF-style (leftmost placement, unchanged base first): chr5-112840263-AT-A. GRCh37 (hg19) VCF-style: chr5-112175960-AT-A.
Other names: c.4671del, p.Ile1557fs (NM_001127510.3, NM_001354895.2); c.4617del, p.Ile1539fs (NM_001127511.3); c.4725del, p.Ile1575fs (NM_001354896.2); c.4701del, p.Ile1567fs (NM_001354897.2); c.4596del, p.Ile1532fs (NM_001354898.2); c.4587del, p.Ile1529fs (NM_001354899.2); c.4548del, p.Ile1516fs (NM_001354900.2); c.4494del, p.Ile1498fs (NM_001354901.2); and 6 more; short protein forms I1532fs, I1557fs, I1397fs, I1456fs, I1498fs, I1431fs, I1466fs, I1529fs.
Identifiers: ClinVar variation 433665 (VCV000433665.5), dbSNP rs1554086084, ClinGen allele CA645372797.